The following is an entry in ClinVar:

NM_001382508.1(DROSHA):c.2575-6dup

Gene: DROSHA (drosha ribonuclease III; minus strand). Cytogenetic location: 5p13.3.
Variant type: Duplication.
Coding change: c.2575-6dup on transcript NM_001382508.1 (MANE Select); 6 bases into the intron before coding-DNA position 2575, one base duplicated (T; older notation c.2575-6dupT).
Molecular consequence: intron variant.
Genome position (GRCh38, 1-based): chr5:31,451,646, A duplicated on the plus strand (T on the coding strand, the reverse complement: DROSHA is on the minus strand); the first of 10 consecutive A bases (chr5:31,451,646-31,451,655); duplicating any one gives the same sequence. VCF-style (leftmost placement, unchanged base first): chr5-31451645-G-GA. GRCh37 (hg19) VCF-style: chr5-31451752-G-GA.
Other names: c.2575-6dup (NM_013235.5); c.2464-6dup (NM_001100412.2).
Identifiers: ClinVar variation 3037785 (VCV003037785.2), dbSNP rs370437114, ClinGen allele CA3217409.

ClinVar aggregate classification (germline): Likely benign (0 of 4 stars; one submission).

Conditions:
DROSHA-related disorder. Also called: DROSHA-related condition.

Submission:

PreventionGenetics, part of Exact Sciences
Classification: Likely benign for DROSHA-related condition. Last evaluated: 2019-11-05. Review status: no assertion criteria provided. Collection method: clinical testing. Allele origin: germline.
Comment: This variant is classified as likely benign based on ACMG/AMP sequence variant interpretation guidelines (Richards et al. 2015 PMID: 25741868, with internal and published modifications).